The following is an entry in ClinVar:

NM_001273.5(CHD4):c.86C>G (p.Pro29Arg)

Gene: CHD4 (chromodomain helicase DNA binding protein 4; minus strand). Cytogenetic location: 12p13.31.
Variant type: single nucleotide variant.
Coding change: c.86C>G on transcript NM_001273.5 (MANE Select); coding-DNA position 86, C replaced by G.
Protein change: p.Pro29Arg; replaces proline 29 with arginine.
Molecular consequence: missense variant.
Genome position (GRCh38, 1-based): chr12:6,606,288, G>C on the plus strand (C>G on the coding strand, the complement: CHD4 is on the minus strand). VCF-style: chr12-6606288-G-C. GRCh37 (hg19) VCF-style: chr12-6715454-G-C.
Other names: c.86C>G, p.Pro29Arg (NM_001297553.2, NM_001363606.2); short protein forms P29R.
Identifiers: ClinVar variation 4846992 (VCV004846992.1).
Genomic context (GRCh38, chr12:6,606,288, plus strand): 5'-CCCCAGATGTCTCCTTCCCGCCATGGGCCCTTGGGGAAGATGTTACCTGGGTGGGGTGGG[G>C]GCAGGCTGTTGTTCAAAAGTGCATCCATATCCTCCTCCTCACTGCCCGCCGAGCAGGGGG-3'
Protein context (NP_001264.2, residues 19-39): DMDALLNNSL[Pro29Arg]PPHPENEEDP

ClinVar aggregate classification (germline): Uncertain significance (1 of 4 stars; one submission).

Conditions:
Sifrim-Hitz-Weiss syndrome (SIHIWES). Also called: CHD4 Neurodevelopmental Disorder; SIFRIM-HITZ-WEISS MULTIPLE CONGENITAL ANOMALIES-MENTAL RETARDATION SYNDROME. Identifiers: Orphanet 653712, MedGen C4310688, MONDO:0014946, OMIM 617159.

gnomAD v4.1: 1 of 1,578,490 alleles (0.000063%); highest among the groups gnomAD compares: Non-Finnish European, 0.000086%; no homozygotes.

Submission:

Laboratorio de Genetica e Diagnostico Molecular, Hospital Israelita Albert Einstein
Classification: Uncertain significance for Sifrim-Hitz-Weiss syndrome. Last evaluated: 2026-02-27. Review status: criteria provided, single submitter. Criteria: ACMG Guidelines, 2015. Collection method: clinical testing. Allele origin: germline. Affected: yes.
Comment: ACMG classification criteria: PM2 supporting, PP2 supporting, BP4 supporting